The following is an entry in ClinVar:

ClinVar aggregate classification (germline): Uncertain significance (1 of 4 stars; one submission).

Submission:

GeneDx
Classification: Uncertain significance. Last evaluated: 2022-03-09. Review status: criteria provided, single submitter. Criteria: GeneDx Variant Classification Process June 2021. Collection method: clinical testing. Allele origin: germline. Affected: yes.
Comment: Not observed at significant frequency in large population cohorts (gnomAD); In silico analysis supports that this missense variant has a deleterious effect on protein structure/function; Has not been previously published as pathogenic or benign to our knowledge

NM_000154.2(GALK1):c.839A>C (p.His280Pro)

Gene: GALK1 (galactokinase 1; minus strand). Cytogenetic location: 17q25.1.
Variant type: single nucleotide variant.
Coding change: c.839A>C on transcript NM_000154.2 (MANE Select); coding-DNA position 839, A replaced by C.
Protein change: p.His280Pro; replaces histidine 280 with proline.
Molecular consequence: missense variant.
Genome position (GRCh38, 1-based): chr17:75,758,554, T>G on the plus strand (A>C on the coding strand, the complement: GALK1 is on the minus strand). VCF-style: chr17-75758554-T-G. GRCh37 (hg19) VCF-style: chr17-73754635-T-G.
Other names: c.839A>C, p.His280Pro (NM_001381985.1); short protein forms H280P.
Identifiers: ClinVar variation 1704703 (VCV001704703.2), dbSNP rs2545900301, ClinGen allele CA401100353.